The following is an entry in ClinVar:

NM_000258.3(MYL3):c.452C>T (p.Ala151Val)

Gene: MYL3 (myosin light chain 3; minus strand). Cytogenetic location: 3p21.31.
Variant type: single nucleotide variant.
Coding change: c.452C>T on transcript NM_000258.3 (MANE Select); coding-DNA position 452, C replaced by T.
Protein change: p.Ala151Val; replaces alanine 151 with valine.
Molecular consequence: missense variant.
Genome position (GRCh38, 1-based): chr3:46,859,504, G>A on the plus strand (C>T on the coding strand, the complement: MYL3 is on the minus strand). VCF-style: chr3-46859504-G-A. GRCh37 (hg19) VCF-style: chr3-46900994-G-A.
Other names: short protein forms A151V.
Identifiers: ClinVar variation 228934 (VCV000228934.10), dbSNP rs876657895, ClinGen allele CA10576624.

ClinVar aggregate classification (germline): Uncertain significance. Review status: criteria provided, multiple submitters, no conflicts (2 of 4 stars). 2 submissions from 2 submitters: Uncertain significance (2). Last evaluated 2018-10-31.

Conditions:
Hypertrophic cardiomyopathy. Also called: HYPERTROPHIC MYOCARDIOPATHY. Identifiers: Orphanet 217569, MedGen C0007194, MeSH D002312, MONDO:0005045, HP:0001639.

Submissions (2):

Center for Human Genetics, University of Leuven
Classification: Uncertain significance for Hypertrophic cardiomyopathy. Last evaluated: 2018-10-31. Review status: criteria provided, single submitter. Criteria: ACMG Guidelines, 2015. Collection method: clinical testing. Allele origin: germline. Affected: yes.

Laboratory for Molecular Medicine, Mass General Brigham Personalized Medicine
Classification: Uncertain significance. Last evaluated: 2015-04-28. Review status: criteria provided, single submitter. Criteria: LMM Criteria. Collection method: clinical testing. Allele origin: germline. Observed: 1 variant allele.
Comment: The p.Ala151Val variant in MYL3 has not been previously reported in individuals with cardiomyopathy or in large population studies. Computational prediction too ls and conservation analysis suggest that this variant may impact the protein, t hough this information is not predictive enough to determine pathogenicity. In s ummary, the clinical significance of the p.Ala151Val variant is uncertain.